The following is an entry in ClinVar:

NM_020832.3(ZNF687):c.244G>T (p.Val82Phe)

Gene: ZNF687 (zinc finger protein 687; plus strand). Cytogenetic location: 1q21.3.
Variant type: single nucleotide variant.
Coding change: c.244G>T on transcript NM_020832.3 (MANE Select); coding-DNA position 244, G replaced by T.
Protein change: p.Val82Phe; replaces valine 82 with phenylalanine.
Molecular consequence: missense variant.
Genome position (GRCh38, 1-based): chr1:151,286,535, G>T. VCF-style: chr1-151286535-G-T. GRCh37 (hg19) VCF-style: chr1-151259011-G-T.
Other names: c.244G>T, p.Val82Phe (NM_001304763.2, NM_001304764.2); short protein forms V82F.
Identifiers: ClinVar variation 3623274 (VCV003623274.4).

ClinVar aggregate classification (germline): Uncertain significance. Review status: criteria provided, multiple submitters, no conflicts (2 of 4 stars). 2 submissions from 2 submitters: Uncertain significance (2). Last evaluated 2026-06-18.

Submissions (2):

Women's Health and Genetics/Laboratory Corporation of America, LabCorp
Classification: Uncertain significance. Last evaluated: 2026-06-18. Review status: criteria provided, single submitter. Criteria: LabCorp Variant Classification Summary - May 2015. Collection method: clinical testing. Allele origin: germline.
Comment: Variant summary: ZNF687 c.244G>T (p.Val82Phe) results in a non-conservative amino acid change in the encoded protein sequence. Algorithms developed to predict the effect of missense changes on protein structure and function are either unavailable or do not agree on the potential impact of this missense change. The variant allele was found at a frequency of 2e-05 in 251212 control chromosomes. The available data on variant occurrences in the general population are insufficient to allow any conclusion about variant significance. To our knowledge, no occurrence of c.244G>T in individuals affected with ZNF687-related conditions and no experimental evidence demonstrating its impact on protein function have been reported. ClinVar contains an entry for this variant (Variation ID: 3623274). Based on the evidence outlined above, the variant was classified as uncertain significance.

Labcorp Genetics (formerly Invitae), Labcorp
Classification: Uncertain significance. Last evaluated: 2024-03-12. Review status: criteria provided, single submitter. Criteria: Invitae Variant Classification Sherloc (09022015). Collection method: clinical testing. Allele origin: germline.
Comment: This sequence change replaces valine, which is neutral and non-polar, with phenylalanine, which is neutral and non-polar, at codon 82 of the ZNF687 protein (p.Val82Phe). This variant is present in population databases (rs748509008, gnomAD 0.003%). This variant has not been reported in the literature in individuals affected with ZNF687-related conditions. An algorithm developed to predict the effect of missense changes on protein structure and function (PolyPhen-2) suggests that this variant is likely to be disruptive. In summary, the available evidence is currently insufficient to determine the role of this variant in disease. Therefore, it has been classified as a Variant of Uncertain Significance.